The following is an entry in ClinVar:

ClinVar aggregate classification (germline): Pathogenic (1 of 4 stars; one submission).

Conditions:
Usher syndrome type 1 (USH1). Also called: RETINITIS PIGMENTOSA AND CONGENITAL DEAFNESS. Identifiers: Orphanet 231169, Orphanet 886, MedGen C1568247, MONDO:0010168, OMIM 276900.

Submission:

Myriad Genetics, Inc.
Classification: Pathogenic for Usher syndrome type 1. Last evaluated: 2023-09-27. Review status: criteria provided, single submitter. Criteria: Myriad Autosomal Dominant, Autosomal Recessive and X-Linked Classification Criteria (2023). Collection method: clinical testing. Allele origin: unknown.
Comment: NM_000260.3(MYO7A):c.882dupC(S295Qfs*18) is expected to be pathogenic in the context of MYO7A-related disorders. This variant is predicted to lead to an abnormal or absent protein product due to the creation of a premature termination codon in MYO7A, a gene where loss-of-function variants are known to be pathogenic. Please note: this variant was assessed in the context of healthy population screening.

NM_000260.4(MYO7A):c.882dup (p.Ser295fs)

Gene: MYO7A (myosin VIIA; plus strand). Cytogenetic location: 11q13.5.
Variant type: Duplication.
Coding change: c.882dup on transcript NM_000260.4 (MANE Select); coding-DNA position 882, one base duplicated (C; older notation c.882dupC).
Protein change: p.Ser295fs; shifts the reading frame from serine 295.
Molecular consequence: frameshift variant.
Genome position (GRCh38, 1-based): chr11:77,158,309, C duplicated. VCF-style (leftmost placement, unchanged base first): chr11-77158308-A-AC. GRCh37 (hg19) VCF-style: chr11-76869354-A-AC.
Other names: c.882dup, p.Ser295fs (NM_001127180.2); c.849dup, p.Ser284fs (NM_001369365.1); short protein forms S284fs, S295fs.
Identifiers: ClinVar variation 5011828 (VCV005011828.1).